The following is an entry in ClinVar:

NM_001130698.2(TRPC3):c.146C>T (p.Pro49Leu)

Gene: TRPC3 (transient receptor potential cation channel subfamily C member 3; minus strand). Cytogenetic location: 4q27.
Variant type: single nucleotide variant.
Coding change: c.146C>T on transcript NM_001130698.2 (MANE Select); coding-DNA position 146, C replaced by T.
Protein change: p.Pro49Leu; replaces proline 49 with leucine.
Molecular consequence: missense variant.
Genome position (GRCh38, 1-based): chr4:121,951,535, G>A on the plus strand (C>T on the coding strand, the complement: TRPC3 is on the minus strand). VCF-style: chr4-121951535-G-A. GRCh37 (hg19) VCF-style: chr4-122872690-G-A.
Other names: c.146C>T, p.Pro49Leu (NM_001366479.2); short protein forms P49L.
Identifiers: ClinVar variation 2180954 (VCV002180954.4), dbSNP rs201270718, ClinGen allele CA3065210.
Genomic context (GRCh38, chr4:121,951,535, plus strand): 5'-CCGTGGGAGAAGGGCGGCGGGCAGTAGCCGTGCGGCTCCCGCTGCGAGGGCGCCGAGCGC[G>A]GCTCCAGCCCCCCGTTGACGCCCCTCCAGCCCCGGCGGCGGCGCTGCGGCTCCGCGCCCT-3'
Protein context (NP_001124170.1, residues 39-59): GWRGVNGGLE[Pro49Leu]RSAPSQREPH

ClinVar aggregate classification (germline): Uncertain significance (1 of 4 stars; one submission).

Allele frequency attached by ClinVar (database versions not stated): gnomAD 0.00003; TOPMed 0.00006.
gnomAD v4.1: 56 of 1,404,228 alleles (0.004%); highest among the groups gnomAD compares: South Asian, 0.0048%; no homozygotes.

Submission:

Labcorp Genetics (formerly Invitae), Labcorp
Classification: Uncertain significance. Last evaluated: 2022-06-15. Review status: criteria provided, single submitter. Criteria: Invitae Variant Classification Sherloc (09022015). Collection method: clinical testing. Allele origin: germline.
Comment: In summary, the available evidence is currently insufficient to determine the role of this variant in disease. Therefore, it has been classified as a Variant of Uncertain Significance. Algorithms developed to predict the effect of missense changes on protein structure and function output the following: SIFT: "Deleterious"; PolyPhen-2: "Benign"; Align-GVGD: "Class C0". The leucine amino acid residue is found in multiple mammalian species, which suggests that this missense change does not adversely affect protein function. This variant has not been reported in the literature in individuals affected with TRPC3-related conditions. This variant is present in population databases (rs201270718, gnomAD 0.1%). This sequence change replaces proline, which is neutral and non-polar, with leucine, which is neutral and non-polar, at codon 49 of the TRPC3 protein (p.Pro49Leu).